The following is an entry in ClinVar:

NM_001364905.1(LRBA):c.4582C>G (p.Gln1528Glu)

Gene: LRBA (LPS responsive beige-like anchor protein; minus strand). Cytogenetic location: 4q31.3.
Variant type: single nucleotide variant.
Coding change: c.4582C>G on transcript NM_001364905.1 (MANE Select); coding-DNA position 4582, C replaced by G.
Protein change: p.Gln1528Glu; replaces glutamine 1528 with glutamic acid.
Molecular consequence: missense variant.
Genome position (GRCh38, 1-based): chr4:150,831,964, G>C on the plus strand (C>G on the coding strand, the complement: LRBA is on the minus strand). VCF-style: chr4-150831964-G-C. GRCh37 (hg19) VCF-style: chr4-151753116-G-C.
Other names: c.4582C>G, p.Gln1528Glu (NM_001199282.3, NM_001367550.1, NM_006726.5); short protein forms Q1528E.
Identifiers: ClinVar variation 1902708 (VCV001902708.5), dbSNP rs770711510, ClinGen allele CA107802112.

ClinVar aggregate classification (germline): Uncertain significance (1 of 4 stars; one submission).

Conditions:
Combined immunodeficiency due to LRBA deficiency. Also called: Common variable immunodeficiency 8, with autoimmunity. Identifiers: Orphanet 445018, MedGen C3553512, MONDO:0013863, OMIM 614700.

Allele frequency attached by ClinVar (database versions not stated): gnomAD exomes below 0.00001.
gnomAD v4.1: 6 of 1,512,724 alleles (0.0004%); highest among the groups gnomAD compares: Non-Finnish European, 0.00053%; no homozygotes.

Submission:

Labcorp Genetics (formerly Invitae), Labcorp
Classification: Uncertain significance for Combined immunodeficiency due to LRBA deficiency. Last evaluated: 2025-06-16. Review status: criteria provided, single submitter. Criteria: Invitae Variant Classification Sherloc (09022015). Collection method: clinical testing. Allele origin: germline.
Comment: This sequence change replaces glutamine, which is neutral and polar, with glutamic acid, which is acidic and polar, at codon 1528 of the LRBA protein (p.Gln1528Glu). This variant is present in population databases (rs770711510, gnomAD 0.001%). This variant has not been reported in the literature in individuals affected with LRBA-related conditions. ClinVar contains an entry for this variant (Variation ID: 1902708). Invitae Evidence Modeling of protein sequence and biophysical properties (such as structural, functional, and spatial information, amino acid conservation, physicochemical variation, residue mobility, and thermodynamic stability) has been performed for this missense variant. However, the output from this modeling did not meet the statistical confidence thresholds required to predict the impact of this variant on LRBA protein function. In summary, the available evidence is currently insufficient to determine the role of this variant in disease. Therefore, it has been classified as a Variant of Uncertain Significance.